The following is an entry in ClinVar:

ClinVar aggregate classification (germline): Uncertain significance. Review status: criteria provided, single submitter (1 of 4 stars). 2 submissions from 2 submitters: Uncertain significance (1). 1 of the submissions does not count toward it. Last evaluated 2018-01-13.

Conditions:
Abetalipoproteinaemia (ABL). Also called: MTP DEFICIENCY; Abetalipoproteinemia; Abetalipoproteinemia neuropathy; Apolipoprotein B deficiency; Congenital betalipoprotein deficiency syndrome. Identifiers: Orphanet 14, MedGen C0000744, MONDO:0008692, OMIM 200100, HP:0008181.

Submissions (2):

Illumina Laboratory Services, Illumina
Classification: Uncertain significance for Abetalipoproteinaemia. Last evaluated: 2018-01-13. Review status: criteria provided, single submitter. Criteria: ICSL Variant Classification Criteria 13 December 2019. Collection method: clinical testing. Allele origin: germline.

Department of Pathology and Laboratory Medicine, Sinai Health System
Classification: Likely pathogenic for Abetalipoproteinaemia. Review status: no assertion criteria provided. Collection method: clinical testing. Allele origin: unknown. Affected: yes. Study: The Canadian Open Genetics Repository (COGR). Not counted in ClinVar's aggregate classification.
Comment: The MTTP p.Ser32* variant was not identified in the literature nor was it identified in Cosmic or LOVD 3.0. The variant was identified in dbSNP (ID: rs886058955) and ClinVar (classified as a VUS by Illumina for abetalipoproteinemia). The variant was also identified in control databases in 4 of 130842 chromosomes at a frequency of 0.000031 (Genome Aggregation Database Feb 27, 2017). The variant was observed in the following populations: European (Finnish) in 1 of 5388 chromosomes (freq: 0.000186) and Latino in 3 of 24356 chromosomes (freq: 0.000123); it was not observed in the African, Ashkenazi Jewish, East Asian, European (non-Finnish), Other or South Asian populations. The p.Ser32* variant leads to a premature stop codon at position 32 which may lead to a truncated or absent protein and loss of function. Loss of function variants of the MTTP gene are an established mechanism of disease in Abetalipoproteinemia and is the type of variant expected to cause the disorder when found in the homozygous or compound heterozygous state. In summary, based on the above information the clinical significance of this variant cannot be determined with certainty at this time although we would lean towards a more pathogenic role for this variant. This variant is classified as likely pathogenic.

NM_000253.4(MTTP):c.-149C>A

Genes: MTTP (microsomal triglyceride transfer protein; plus strand), LOC126807124 (BRD4-independent group 4 enhancer GRCh37_chr4:100484300-100485499; plus strand). Cytogenetic location: 4q23.
Variant type: single nucleotide variant.
Coding change: c.-149C>A on transcript NM_000253.4; 149 bases upstream of the start codon, C replaced by A.
Molecular consequence: 5 prime UTR variant.
Genome position (GRCh38, 1-based): chr4:99,564,190, C>A. VCF-style: chr4-99564190-C-A. GRCh37 (hg19) VCF-style: chr4-100485347-C-A.
Other names: c.-236C>A (NM_001300785.2).
Identifiers: ClinVar variation 347013 (VCV000347013.8), dbSNP rs886058955, ClinGen allele CA10618703.
Genomic context (GRCh38, chr4:99,564,190, plus strand): 5'-GTCTGGAGTTAGTGTTTTGGGAGTGGGAGGTAGTTACAGTGATGTCTGTTTTTTCCCGTT[C>A]AAGAATTAAGTGTGTACCTGCAGACGTGTATTCATTCATATATTCTTGTGAGTATTGGAT-3'